The following is an entry in ClinVar:

NM_006164.5(NFE2L2):c.674A>G (p.Asn225Ser)

Gene: NFE2L2 (NFE2 like bZIP transcription factor 2; minus strand). Cytogenetic location: 2q31.2.
Variant type: single nucleotide variant.
Coding change: c.674A>G on transcript NM_006164.5 (MANE Select); coding-DNA position 674, A replaced by G.
Protein change: p.Asn225Ser; replaces asparagine 225 with serine.
Molecular consequence: missense variant.
Genome position (GRCh38, 1-based): chr2:177,231,929, T>C on the plus strand (A>G on the coding strand, the complement: NFE2L2 is on the minus strand). VCF-style: chr2-177231929-T-C. GRCh37 (hg19) VCF-style: chr2-178096657-T-C.
Other names: c.674A>G (NM_006164.3); c.626A>G, p.Asn209Ser (NM_001145412.3, NM_001313900.1, NM_001313901.1); c.605A>G, p.Asn202Ser (NM_001145413.3); c.584A>G, p.Asn195Ser (NM_001313902.2); c.455A>G, p.Asn152Ser (NM_001313903.2); c.374A>G, p.Asn125Ser (NM_001313904.1); short protein forms N125S, N152S, N195S, N202S, N209S, N225S.
Identifiers: ClinVar variation 3613168 (VCV003613168.3).

ClinVar aggregate classification (germline): Uncertain significance. Review status: criteria provided, multiple submitters, no conflicts (2 of 4 stars). 2 submissions from 2 submitters: Uncertain significance (2). Last evaluated 2025-10-21.

Submissions (2):

Labcorp Genetics (formerly Invitae), Labcorp
Classification: Uncertain significance. Last evaluated: 2025-10-21. Review status: criteria provided, single submitter. Criteria: Invitae Variant Classification Sherloc (09022015). Collection method: clinical testing. Allele origin: germline.
Comment: This sequence change replaces asparagine, which is neutral and polar, with serine, which is neutral and polar, at codon 225 of the NFE2L2 protein (p.Asn225Ser). This variant is not present in population databases (gnomAD no frequency). This variant has not been reported in the literature in individuals affected with NFE2L2-related conditions. ClinVar contains an entry for this variant (Variation ID: 3613168). Invitae Evidence Modeling of protein sequence and biophysical properties (such as structural, functional, and spatial information, amino acid conservation, physicochemical variation, residue mobility, and thermodynamic stability) indicates that this missense variant is not expected to disrupt NFE2L2 protein function with a negative predictive value of 80%. In summary, the available evidence is currently insufficient to determine the role of this variant in disease. Therefore, it has been classified as a Variant of Uncertain Significance.

Ambry Genetics
Classification: Uncertain significance. Last evaluated: 2025-06-07. Review status: criteria provided, single submitter. Criteria: Ambry Variant Classification Scheme 2023. Collection method: clinical testing. Allele origin: germline.